The following is an entry in ClinVar:

NM_000038.6(APC):c.5312A>G (p.Lys1771Arg)

Gene: APC (APC regulator of Wnt signaling pathway; plus strand). Cytogenetic location: 5q22.2.
Variant type: single nucleotide variant.
Coding change: c.5312A>G on transcript NM_000038.6 (MANE Select); coding-DNA position 5312, A replaced by G.
Protein change: p.Lys1771Arg; replaces lysine 1771 with arginine.
Molecular consequence: missense variant.
Genome position (GRCh38, 1-based): chr5:112,840,906, A>G. VCF-style: chr5-112840906-A-G. GRCh37 (hg19) VCF-style: chr5-112176603-A-G.
Other names: c.5312A>G, p.Lys1771Arg (NM_001127510.3, NM_001354895.2); c.5258A>G, p.Lys1753Arg (NM_001127511.3); c.5366A>G, p.Lys1789Arg (NM_001354896.2); c.5342A>G, p.Lys1781Arg (NM_001354897.2); c.5237A>G, p.Lys1746Arg (NM_001354898.2); c.5228A>G, p.Lys1743Arg (NM_001354899.2); c.5189A>G, p.Lys1730Arg (NM_001354900.2); c.5135A>G, p.Lys1712Arg (NM_001354901.2); and 5 more; short protein forms K1753R, K1771R, K1670R, K1712R, K1743R, K1488R, K1645R, K1746R.
Identifiers: ClinVar variation 569102 (VCV000569102.12), dbSNP rs1561599209, ClinGen allele CA16032947.

ClinVar aggregate classification (germline): Uncertain significance. Review status: criteria provided, multiple submitters, no conflicts (2 of 4 stars). 2 submissions from 2 submitters: Uncertain significance (2). Last evaluated 2022-01-05.

Conditions:
Hereditary cancer-predisposing syndrome. Also called: Hereditary neoplastic syndrome; Tumor predisposition; Neoplastic Syndromes, Hereditary; Hereditary Cancer Syndrome. Identifiers: Orphanet 140162, MedGen C0027672, MeSH D009386, MONDO:0015356.
Familial adenomatous polyposis 1 (FAP1). Also called: POLYPOSIS, ADENOMATOUS INTESTINAL; FAMILIAL ADENOMATOUS POLYPOSIS 1, ATTENUATED. Identifiers: MedGen C2713442, MONDO:0021056, OMIM 175100. Disease mechanism: loss of function.

Submissions (2):

Ambry Genetics
Classification: Uncertain significance for Hereditary cancer-predisposing syndrome. Last evaluated: 2022-01-05. Review status: criteria provided, single submitter. Criteria: Ambry Variant Classification Scheme 2023. Collection method: clinical testing. Allele origin: germline.
Comment: The p.K1771R variant (also known as c.5312A>G), located in coding exon 15 of the APC gene, results from an A to G substitution at nucleotide position 5312. The lysine at codon 1771 is replaced by arginine, an amino acid with highly similar properties. This amino acid position is highly conserved in available vertebrate species. In addition, in silico predictors for this gene do not accurately predict pathogenicity. Since supporting evidence is limited at this time, the clinical significance of this alteration remains unclear.

Labcorp Genetics (formerly Invitae), Labcorp
Classification: Uncertain significance for Familial adenomatous polyposis 1. Last evaluated: 2018-06-18. Review status: criteria provided, single submitter. Criteria: Invitae Variant Classification Sherloc (09022015). Collection method: clinical testing. Allele origin: germline.
Comment: Algorithms developed to predict the effect of missense changes on protein structure and function are either unavailable or do not agree on the potential impact of this missense change (SIFT: "Deleterious"; PolyPhen-2: "Probably Damaging"; Align-GVGD: "Class C0"). In summary, the available evidence is currently insufficient to determine the role of this variant in disease. Therefore, it has been classified as a Variant of Uncertain Significance. This variant has not been reported in the literature in individuals with APC-related disease. This variant is not present in population databases (ExAC no frequency). This sequence change replaces lysine with arginine at codon 1771 of the APC protein (p.Lys1771Arg). The lysine residue is highly conserved and there is a small physicochemical difference between lysine and arginine.